The following is an entry in ClinVar:

ClinVar aggregate classification (germline): Uncertain significance (1 of 4 stars; one submission).

Allele frequency attached by ClinVar (database versions not stated): gnomAD exomes below 0.00001; TOPMed below 0.00001.
gnomAD v4.1: 1 of 1,614,138 alleles (0.000062%); highest among the groups gnomAD compares: African/African-American, 0.0013%; no homozygotes.

Submission:

Ambry Genetics
Classification: Uncertain significance. Last evaluated: 2023-09-14. Review status: criteria provided, single submitter. Criteria: Ambry Variant Classification Scheme 2023. Collection method: clinical testing. Allele origin: germline.
Comment: The p.I229V variant (also known as c.685A>G), located in coding exon 8 of the NPAT gene, results from an A to G substitution at nucleotide position 685. The isoleucine at codon 229 is replaced by valine, an amino acid with highly similar properties. This amino acid position is conserved. In addition, this alteration is predicted to be tolerated by in silico analysis. Since supporting evidence is limited at this time, the clinical significance of this alteration remains unclear.

NM_002519.3(NPAT):c.685A>G (p.Ile229Val)

Gene: NPAT (nuclear protein, coactivator of histone transcription; minus strand). Cytogenetic location: 11q22.3.
Variant type: single nucleotide variant.
Coding change: c.685A>G on transcript NM_002519.3 (MANE Select); coding-DNA position 685, A replaced by G.
Protein change: p.Ile229Val; replaces isoleucine 229 with valine.
Molecular consequence: missense variant.
Genome position (GRCh38, 1-based): chr11:108,186,523, T>C on the plus strand (A>G on the coding strand, the complement: NPAT is on the minus strand). VCF-style: chr11-108186523-T-C. GRCh37 (hg19) VCF-style: chr11-108057250-T-C.
Other names: c.685A>G, p.Ile229Val (NM_001321307.1); short protein forms I229V.
Identifiers: ClinVar variation 1755824 (VCV001755824.3), dbSNP rs2078109605, ClinGen allele CA382522338.